The following is an entry in ClinVar:

ClinVar aggregate classification (germline): Conflicting classifications of pathogenicity. Review status: criteria provided, conflicting classifications (1 of 4 stars). 3 submissions from 3 submitters: Uncertain significance (1); Likely benign (1). 1 of the submissions does not count toward it. Last evaluated 2026-01-05.

Conditions:
KCNQ3-related disorder. Also called: KCNQ3-Related Disorders; KCNQ3-related condition. Identifiers: MedGen CN381530.
Benign neonatal seizures. Also called: Convulsions benign familial neonatal dominant form; Autosomal dominant form of benign neonatal seizures; Benign neonatal familial convulsions; Benign familial neonatal seizures; Benign familial neonatal epilepsy. Identifiers: Orphanet 1949, MedGen C0220669, MONDO:0016027.

Allele frequency attached by ClinVar (database versions not stated): gnomAD exomes below 0.00001 and 0.00001; ExAC 0.00001; TOPMed 0.00001; gnomAD 0.00002 and 0.00003; 1000 Genomes Project 30x 0.00016; 1000 Genomes Project 0.00020.
gnomAD v4.1: 19 of 1,614,096 alleles (0.0012%); highest among the groups gnomAD compares: African/African-American, 0.019%; no homozygotes.

Submissions (3):

Labcorp Genetics (formerly Invitae), Labcorp
Classification: Uncertain significance for Benign neonatal seizures. Last evaluated: 2026-01-05. Review status: criteria provided, single submitter. Criteria: Invitae Variant Classification Sherloc (09022015). Collection method: clinical testing. Allele origin: germline.
Comment: This sequence change affects codon 259 of the KCNQ3 mRNA. It is a 'silent' change, meaning that it does not change the encoded amino acid sequence of the KCNQ3 protein. It affects a nucleotide within the consensus splice site. This variant is present in population databases (rs565965038, gnomAD 0.007%). This variant has not been reported in the literature in individuals affected with KCNQ3-related conditions. ClinVar contains an entry for this variant (Variation ID: 1023512). Algorithms developed to predict the effect of sequence changes on RNA splicing suggest that this variant is not likely to affect RNA splicing. In summary, the available evidence is currently insufficient to determine the role of this variant in disease. Therefore, it has been classified as a Variant of Uncertain Significance.

Blueprint Genetics
Classification: Likely benign. Last evaluated: 2022-10-13. Review status: criteria provided, single submitter. Criteria: ACMG Guidelines, 2015. Collection method: clinical testing. Allele origin: germline.

PreventionGenetics, part of Exact Sciences
Classification: Likely benign for KCNQ3-related condition. Last evaluated: 2023-11-28. Review status: no assertion criteria provided. Collection method: clinical testing. Allele origin: germline. Not counted in ClinVar's aggregate classification.
Comment: This variant is classified as likely benign based on ACMG/AMP sequence variant interpretation guidelines (Richards et al. 2015 PMID: 25741868, with internal and published modifications).

NM_004519.4(KCNQ3):c.777A>G (p.Lys259=)

Gene: KCNQ3 (potassium voltage-gated channel subfamily Q member 3; minus strand). Cytogenetic location: 8q24.22.
Variant type: single nucleotide variant.
Coding change: c.777A>G on transcript NM_004519.4 (MANE Select); coding-DNA position 777, A replaced by G.
Protein change: p.Lys259=; no amino-acid change (lysine 259 retained).
Molecular consequence: synonymous variant.
Genome position (GRCh38, 1-based): chr8:132,180,157, T>C on the plus strand (A>G on the coding strand, the complement: KCNQ3 is on the minus strand). VCF-style: chr8-132180157-T-C. GRCh37 (hg19) VCF-style: chr8-133192404-T-C.
Other names: c.417A>G, p.Lys139= (NM_001204824.2); c.777A>G (NM_004519.3).
Identifiers: ClinVar variation 1023512 (VCV001023512.10), dbSNP rs565965038, ClinGen allele CA4880856.